The following is an entry in ClinVar:

NM_017617.5(NOTCH1):c.1778C>T (p.Pro593Leu)

Gene: NOTCH1 (notch receptor 1; minus strand). Cytogenetic location: 9q34.3.
Variant type: single nucleotide variant.
Coding change: c.1778C>T on transcript NM_017617.5 (MANE Select); coding-DNA position 1778, C replaced by T.
Protein change: p.Pro593Leu; replaces proline 593 with leucine.
Molecular consequence: missense variant.
Genome position (GRCh38, 1-based): chr9:136,515,608, G>A on the plus strand (C>T on the coding strand, the complement: NOTCH1 is on the minus strand). VCF-style: chr9-136515608-G-A. GRCh37 (hg19) VCF-style: chr9-139410060-G-A.
Other names: c.1778C>T, p.Pro593Leu (LRG_1122t1); short protein forms P593L.
Identifiers: ClinVar variation 264032 (VCV000264032.15), dbSNP rs886039014, ClinGen allele CA10587672.

ClinVar aggregate classification (germline): Uncertain significance. Review status: criteria provided, multiple submitters, no conflicts (2 of 4 stars). 6 submissions from 5 submitters: Uncertain significance (6). Last evaluated 2025-12-08.

Conditions:
Familial thoracic aortic aneurysm and aortic dissection (TAAD). Also called: Thoracic aortic aneurysms and dissections. Identifiers: Orphanet 91387, MedGen C4707243, MONDO:0019625.
Aortic valve disease 1 (AOVD1). Identifiers: MedGen C3887892, MONDO:0024523, OMIM 109730.
Adams-Oliver syndrome 5 (AOS5). Identifiers: Orphanet 974, MedGen C4014970, MONDO:0014459, OMIM 616028.

Allele frequency attached by ClinVar (database versions not stated): gnomAD exomes below 0.00001; gnomAD 0.00001; TOPMed 0.00001.
gnomAD v4.1: 5 of 1,608,978 alleles (0.00031%); highest among the groups gnomAD compares: Non-Finnish European, 0.00042%; no homozygotes.

Submissions (6):

Labcorp Genetics (formerly Invitae), Labcorp
Classification: Uncertain significance for Adams-Oliver syndrome 5. Last evaluated: 2025-12-08. Review status: criteria provided, single submitter. Criteria: Invitae Variant Classification Sherloc (09022015). Collection method: clinical testing. Allele origin: germline.
Comment: This sequence change replaces proline, which is neutral and non-polar, with leucine, which is neutral and non-polar, at codon 593 of the NOTCH1 protein (p.Pro593Leu). This variant is not present in population databases (gnomAD no frequency). This variant has not been reported in the literature in individuals affected with NOTCH1-related conditions. ClinVar contains an entry for this variant (Variation ID: 264032). Invitae Evidence Modeling of protein sequence and biophysical properties (such as structural, functional, and spatial information, amino acid conservation, physicochemical variation, residue mobility, and thermodynamic stability) indicates that this missense variant is not expected to disrupt NOTCH1 protein function with a negative predictive value of 95%. In summary, the available evidence is currently insufficient to determine the role of this variant in disease. Therefore, it has been classified as a Variant of Uncertain Significance.

Genome-Nilou Lab
Classification: Uncertain significance for Adams-Oliver syndrome 5. Last evaluated: 2022-03-15. Review status: criteria provided, single submitter. Criteria: ACMG Guidelines, 2015. Collection method: clinical testing. Allele origin: germline. Affected: no.

Genome-Nilou Lab
Classification: Uncertain significance for Aortic valve disease 1. Last evaluated: 2022-03-15. Review status: criteria provided, single submitter. Criteria: ACMG Guidelines, 2015. Collection method: clinical testing. Allele origin: germline. Affected: no.

AiLife Diagnostics
Classification: Uncertain significance. Last evaluated: 2022-01-07. Review status: criteria provided, single submitter. Criteria: ACMG Guidelines, 2015. Collection method: clinical testing. Allele origin: germline. Affected: yes. Observed: 2 variant alleles.

GeneDx
Classification: Uncertain significance. Last evaluated: 2020-10-09. Review status: criteria provided, single submitter. Criteria: GeneDx Variant Classification Process June 2021. Collection method: clinical testing. Allele origin: germline. Affected: yes.
Comment: Not observed in large population cohorts (Lek et al., 2016); In silico analysis supports that this missense variant has a deleterious effect on protein structure/function; Has not been previously published as pathogenic or benign to our knowledge

Ambry Genetics
Classification: Uncertain significance for Familial thoracic aortic aneurysm and aortic dissection. Last evaluated: 2015-05-21. Review status: criteria provided, single submitter. Criteria: Ambry Variant Classification Scheme 2023. Collection method: clinical testing. Allele origin: germline.
Comment: The p.P593L variant (also known as c.1778C>T), located in coding exon 11 of the NOTCH1 gene, results from a C to T substitution at nucleotide position 1778. The proline at codon 593 is replaced by leucine, an amino acid with similar properties. This variant was not reported in population based cohorts in the following databases: Database of Single Nucleotide Polymorphisms (dbSNP), NHLBI Exome Sequencing Project (ESP), and 1000 Genomes Project. In the ESP, this variant was not observed in 6463 samples (12926 alleles) with coverage at this position. This amino acid position is well conserved in available vertebrate species. In addition, the in silico prediction for this alteration is inconclusive. Since supporting evidence is limited at this time, the clinical significance of this variant remains unclear.